The following is an entry in ClinVar:

NM_033305.3(VPS13A):c.7379G>A (p.Trp2460Ter)

Gene: VPS13A (vacuolar protein sorting 13 homolog A; plus strand). Cytogenetic location: 9q21.2.
Variant type: single nucleotide variant.
Coding change: c.7379G>A on transcript NM_033305.3 (MANE Select); coding-DNA position 7379, G replaced by A.
Protein change: p.Trp2460Ter; replaces tryptophan 2460 with a stop codon.
Molecular consequence: nonsense.
Genome position (GRCh38, 1-based): chr9:77,351,406, G>A. VCF-style: chr9-77351406-G-A. GRCh37 (hg19) VCF-style: chr9-79966322-G-A.
Other names: c.7262G>A, p.Trp2421Ter (NM_001018037.2); c.7379G>A, p.Trp2460Ter (NM_001018038.3, NM_015186.4); short protein forms W2460*, W2421*.
Identifiers: ClinVar variation 4903447 (VCV004903447.2).

ClinVar aggregate classification (germline): Pathogenic/Likely pathogenic. Review status: criteria provided, multiple submitters, no conflicts (2 of 4 stars). 2 submissions from 2 submitters: Pathogenic (1); Likely pathogenic (1). Last evaluated 2024-02-24.

Conditions:
VPS13A-related disorder. Also called: VPS13A-related condition.
VPS13A-related neurodegenerative disease. Also called: LEVINE-CRITCHLEY SYNDROME; Choreoacanthocytosis; Chorea-acanthocytosis; VPS13A Disease; Choreaacanthocytosis; ACANTHOCYTOSIS WITH NEUROLOGIC DISORDER. Identifiers: Orphanet 2388, MedGen C0393576, MONDO:0008695, OMIM 200150.

gnomAD v4.1: 1 of 1,613,912 alleles (0.000062%); highest among the groups gnomAD compares: Non-Finnish European, 0.000085%; no homozygotes.

Submissions (2):

Myriad Genetics, Inc.
Classification: Pathogenic for VPS13A-related neurodegenerative disease. Last evaluated: 2024-02-24. Review status: criteria provided, single submitter. Criteria: Myriad Autosomal Dominant, Autosomal Recessive and X-Linked Classification Criteria (2023). Collection method: clinical testing. Allele origin: unknown.
Comment: NM_033305.2(VPS13A):c.7379G>A(W2460*) is expected to be pathogenic in the context of VPS13A disease. This variant is predicted to lead to an abnormal or absent protein product due to the creation of a premature termination codon in VPS13A, a gene where loss-of-function variants are known to be pathogenic. Please note: this variant was assessed in the context of healthy population screening.

Blueprint Genetics
Classification: Likely pathogenic for VPS13A-related disorders. Last evaluated: 2022-02-25. Review status: criteria provided, single submitter. Criteria: ACMG Guidelines, 2015. Collection method: clinical testing. Allele origin: germline. Affected: yes. Observed: 1 variant allele.